The following is an entry in ClinVar:

NM_139027.6(ADAMTS13):c.2195C>T (p.Ala732Val)

Gene: ADAMTS13 (ADAM metallopeptidase with thrombospondin type 1 motif 13; plus strand). Cytogenetic location: 9q34.2.
Variant type: single nucleotide variant.
Coding change: c.2195C>T on transcript NM_139027.6 (MANE Select); coding-DNA position 2195, C replaced by T.
Protein change: p.Ala732Val; replaces alanine 732 with valine.
Molecular consequence: missense variant.
Genome position (GRCh38, 1-based): chr9:133,442,704, C>T. VCF-style: chr9-133442704-C-T. GRCh37 (hg19) VCF-style: chr9-136307825-C-T.
Other names: c.2195C>T, p.Ala732Val (NM_139025.5); c.2102C>T, p.Ala701Val (NM_139026.6); short protein forms A732V, A701V.
Identifiers: ClinVar variation 227176 (VCV000227176.41), dbSNP rs41314453, ClinGen allele CA10576747.

ClinVar aggregate classification (germline): Benign/Likely benign. Review status: criteria provided, multiple submitters, no conflicts (2 of 4 stars). 7 submissions from 7 submitters: Benign (3); Likely benign (4). Last evaluated 2026-03-01.

Conditions:
Upshaw-Schulman syndrome (TTP). Also called: Congenital thrombotic thrombocytopenic purpura; THROMBOTIC THROMBOCYTOPENIC PURPURA, HEREDITARY. Identifiers: Orphanet 93583, MedGen C1268935, MONDO:0010122, OMIM 274150.

Allele frequency attached by ClinVar (database versions not stated): 1000 Genomes Project 30x 0.00531; 1000 Genomes Project 0.00559; TOPMed 0.00916; gnomAD exomes 0.00984 and 0.01426; gnomAD 0.00988 and 0.01000; ESP Exome Variant Server 0.01015; ExAC 0.01028.
gnomAD v4.1: 22,127 of 1,613,072 alleles (1.4%); highest among the groups gnomAD compares: Non-Finnish European, 1.7%; 165 homozygotes.

Submissions (7):

CeGaT Center for Human Genetics Tuebingen
Classification: Benign. Last evaluated: 2026-03-01. Review status: criteria provided, single submitter. Criteria: CeGaT Center For Human Genetics Tuebingen Variant Classification Criteria Version 2. Collection method: clinical testing. Allele origin: germline. Affected: yes. Observed: 8 variant alleles.
Comment: ADAMTS13: BP4, BS1, BS2

Labcorp Genetics (formerly Invitae), Labcorp
Classification: Benign. Last evaluated: 2026-02-03. Review status: criteria provided, single submitter. Criteria: Invitae Variant Classification Sherloc (09022015). Collection method: clinical testing. Allele origin: germline.

Center for Genomic Medicine, Rigshospitalet, Copenhagen University Hospital
Classification: Benign. Last evaluated: 2025-03-04. Review status: criteria provided, single submitter. Criteria: ACMG Guidelines, 2015. Collection method: clinical testing. Allele origin: germline.

Blueprint Genetics
Classification: Likely benign. Last evaluated: 2024-11-27. Review status: criteria provided, single submitter. Criteria: ACMG Guidelines, 2015. Collection method: clinical testing. Allele origin: germline.

Fulgent Genetics
Classification: Likely benign for Upshaw-Schulman syndrome. Last evaluated: 2022-01-07. Review status: criteria provided, single submitter. Criteria: ACMG Guidelines, 2015. Collection method: clinical testing. Allele origin: unknown.

Laboratory for Molecular Medicine, Mass General Brigham Personalized Medicine
Classification: Likely benign. Last evaluated: 2015-08-25. Review status: criteria provided, single submitter. Criteria: LMM Criteria. Collection method: clinical testing. Allele origin: germline. Observed: 2 variant alleles.
Comment: p.Ala732Val in exon 18 of ADAMTS13: This variant is not expected to have clinica l significance because it has been identified 1.6% (1013/65004) of all chromosom es tested by the Exome Aggregation Consortium (ExAC. org; dbSNP rs41314453). While in vitro studies showed a decreased secretion of t he ADAMTS13 protein containing this variant, functional assays did not demonstra te decreased activity (Plaimauer 2006, Feng 2013).

Breakthrough Genomics
Classification: Likely benign. Review status: criteria provided, single submitter. Criteria: ACMG Guidelines, 2015. Collection method: not provided. Allele origin: germline. Inheritance: Autosomal recessive inheritance. Affected: yes.

Literature cited by the submitters: PubMed 11586351 (cited by Laboratory for Molecular Medicine, Mass General Brigham Personalized Medicine); PubMed 23847193 (cited by Laboratory for Molecular Medicine, Mass General Brigham Personalized Medicine); PubMed 19847791 (cited by Laboratory for Molecular Medicine, Mass General Brigham Personalized Medicine); PubMed 12614216 (cited by Laboratory for Molecular Medicine, Mass General Brigham Personalized Medicine); PubMed 16160007 (cited by Laboratory for Molecular Medicine, Mass General Brigham Personalized Medicine); PubMed 23208954 (cited by Laboratory for Molecular Medicine, Mass General Brigham Personalized Medicine); PubMed 16388417 (cited by Laboratory for Molecular Medicine, Mass General Brigham Personalized Medicine).